The following is an entry in ClinVar:

NM_002661.5(PLCG2):c.3755+5G>T

Gene: PLCG2 (phospholipase C gamma 2; plus strand). Cytogenetic location: 16q23.3.
Variant type: single nucleotide variant.
Coding change: c.3755+5G>T on transcript NM_002661.5 (MANE Select); 5 bases into the intron after coding-DNA position 3755, G replaced by T.
Molecular consequence: intron variant.
Genome position (GRCh38, 1-based): chr16:81,956,884, G>T. VCF-style: chr16-81956884-G-T. GRCh37 (hg19) VCF-style: chr16-81990489-G-T.
Identifiers: ClinVar variation 1399496 (VCV001399496.6), dbSNP rs1430068302, ClinGen allele CA624017272.

ClinVar aggregate classification (germline): Uncertain significance (1 of 4 stars; one submission).

Conditions:
Familial cold autoinflammatory syndrome 3 (FCAS3). Also called: ANTIBODY DEFICIENCY AND IMMUNE DYSREGULATION, PLCG2-ASSOCIATED; FAMILIAL ATYPICAL COLD URTICARIA. Identifiers: Orphanet 300359, MedGen C3280914, MONDO:0013766, OMIM 614468.

Allele frequency attached by ClinVar (database versions not stated): gnomAD exomes below 0.00001.
gnomAD v4.1: 2 of 1,611,302 alleles (0.00012%); highest among the groups gnomAD compares: South Asian, 0.0022%; no homozygotes.

Submission:

Labcorp Genetics (formerly Invitae), Labcorp
Classification: Uncertain significance for Familial cold autoinflammatory syndrome 3. Last evaluated: 2024-12-16. Review status: criteria provided, single submitter. Criteria: Invitae Variant Classification Sherloc (09022015). Collection method: clinical testing. Allele origin: germline.
Comment: This sequence change falls in intron 32 of the PLCG2 gene. It does not directly change the encoded amino acid sequence of the PLCG2 protein. It affects a nucleotide within the consensus splice site. The frequency data for this variant in the population databases is considered unreliable, as metrics indicate poor data quality at this position in the gnomAD database. This variant has not been reported in the literature in individuals affected with PLCG2-related conditions. ClinVar contains an entry for this variant (Variation ID: 1399496). Variants that disrupt the consensus splice site are a relatively common cause of aberrant splicing (PMID: 17576681, 9536098). Algorithms developed to predict the effect of sequence changes on RNA splicing suggest that this variant is not likely to affect RNA splicing. In summary, the available evidence is currently insufficient to determine the role of this variant in disease. Therefore, it has been classified as a Variant of Uncertain Significance.

Literature cited by the submitters: PubMed 17576681; PubMed 9536098.